The following is an entry in ClinVar:

NM_015295.3(SMCHD1):c.625G>A (p.Gly209Ser)

Gene: SMCHD1 (structural maintenance of chromosomes flexible hinge domain containing 1; plus strand). Cytogenetic location: 18p11.32.
Variant type: single nucleotide variant.
Coding change: c.625G>A on transcript NM_015295.3 (MANE Select); coding-DNA position 625, G replaced by A.
Protein change: p.Gly209Ser; replaces glycine 209 with serine.
Molecular consequence: missense variant.
Genome position (GRCh38, 1-based): chr18:2,674,132, G>A. VCF-style: chr18-2674132-G-A. GRCh37 (hg19) VCF-style: chr18-2674131-G-A.
Other names: short protein forms G209S.
Identifiers: ClinVar variation 2436151 (VCV002436151.6), dbSNP rs368349787, ClinGen allele CA295464068.

ClinVar aggregate classification (germline): Uncertain significance. Review status: criteria provided, multiple submitters, no conflicts (2 of 4 stars). 2 submissions from 2 submitters: Uncertain significance (2). Last evaluated 2024-07-19.

Conditions:
Facioscapulohumeral muscular dystrophy 2 (FSHD2). Also called: FACIOSCAPULOHUMERAL MUSCULAR DYSTROPHY 2, DIGENIC; FSHD2, DIGENIC; MUSCULAR DYSTROPHY, FACIOSCAPULOHUMERAL, TYPE 1B. Identifiers: Orphanet 269, MedGen C1834671, MONDO:0008031, OMIM 158901.

Allele frequency attached by ClinVar (database versions not stated): gnomAD 0.00001; TOPMed 0.00001; ESP Exome Variant Server 0.00008.
gnomAD v4.1: 27 of 1,590,838 alleles (0.0017%); highest among the groups gnomAD compares: Non-Finnish European, 0.0021%; no homozygotes.

Submissions (2):

Labcorp Genetics (formerly Invitae), Labcorp
Classification: Uncertain significance for Facioscapulohumeral muscular dystrophy 2. Last evaluated: 2024-07-19. Review status: criteria provided, single submitter. Criteria: Invitae Variant Classification Sherloc (09022015). Collection method: clinical testing. Allele origin: germline.
Comment: This sequence change replaces glycine, which is neutral and non-polar, with serine, which is neutral and polar, at codon 209 of the SMCHD1 protein (p.Gly209Ser). This variant is present in population databases (rs368349787, gnomAD 0.003%). This variant has not been reported in the literature in individuals affected with SMCHD1-related conditions. ClinVar contains an entry for this variant (Variation ID: 2436151). Advanced modeling of protein sequence and biophysical properties (such as structural, functional, and spatial information, amino acid conservation, physicochemical variation, residue mobility, and thermodynamic stability) performed at Invitae indicates that this missense variant is not expected to disrupt SMCHD1 protein function with a negative predictive value of 80%. In summary, the available evidence is currently insufficient to determine the role of this variant in disease. Therefore, it has been classified as a Variant of Uncertain Significance.

Revvity Omics, Revvity
Classification: Uncertain significance. Last evaluated: 2022-10-27. Review status: criteria provided, single submitter. Criteria: ACMG Guidelines, 2015. Collection method: clinical testing. Allele origin: germline.